The following is an entry in ClinVar:

ClinVar aggregate classification (germline): Uncertain significance (0 of 4 stars; one submission).

Conditions:
RAB23-related disorder. Also called: RAB23-related condition.

Submission:

PreventionGenetics, part of Exact Sciences
Classification: Uncertain significance for RAB23-related condition. Last evaluated: 2024-02-21. Review status: no assertion criteria provided. Collection method: clinical testing. Allele origin: germline.
Comment: The RAB23 c.17_18delinsAT variant is predicted to result in an in-frame deletion and insertion. To our knowledge, this variant has not been reported in the literature or in a large population database, indicating this variant is rare. At this time, the clinical significance of this variant is uncertain due to the absence of conclusive functional and genetic evidence.

NM_016277.5(RAB23):c.17_18delinsAT (p.Met6Asn)

Gene: RAB23 (RAB23, member RAS oncogene family; minus strand). Cytogenetic location: 6p11.2.
Variant type: Indel.
Coding change: c.17_18delinsAT on transcript NM_016277.5 (MANE Select); coding-DNA positions 17 to 18, TG replaced by AT.
Protein change: p.Met6Asn; replaces methionine 6 with asparagine.
Molecular consequence: missense variant. On other transcripts: non-coding transcript variant (1).
Genome position (GRCh38, 1-based): chr6:57,210,363-57,210,364, CA replaced by AT on the plus strand (TG replaced by AT on the coding strand, the reverse complement: RAB23 is on the minus strand). VCF-style: chr6-57210363-CA-AT. GRCh37 (hg19) VCF-style: chr6-57075161-CA-AT.
Other names: c.17_18delinsAT, p.Met6Asn (NM_001278666.2, NM_001278667.2, NM_001278668.2 and 1 more transcripts); short protein forms M6N.
Identifiers: ClinVar variation 3349295 (VCV003349295.1).
Genomic context (GRCh38, chr6:57,210,363, plus strand): 5'-AATCATACTTGATTTTCCAACTGCTCCATTCCCTACAACCACCATCTTTATGGCGACTTC[CA>AT]TATCTTCCTCCAACATTTTTGGAGCTGAAATGGTTTCTGTACCAACTCTAATTCTAGGAG-3'
Protein context (NP_057361.3, residues 1-16): MLEED[Met6Asn]EVAIKMVVVG